The following is an entry in ClinVar:

NM_024529.5(CDC73):c.1283T>C (p.Val428Ala)

Gene: CDC73 (cell division cycle 73; plus strand). Cytogenetic location: 1q31.2.
Variant type: single nucleotide variant.
Coding change: c.1283T>C on transcript NM_024529.5 (MANE Select); coding-DNA position 1283, T replaced by C.
Protein change: p.Val428Ala; replaces valine 428 with alanine.
Molecular consequence: missense variant.
Genome position (GRCh38, 1-based): chr1:193,233,121, T>C. VCF-style: chr1-193233121-T-C. GRCh37 (hg19) VCF-style: chr1-193202251-T-C.
Other names: short protein forms V428A.
Identifiers: ClinVar variation 1919189 (VCV001919189.5), dbSNP rs2102058427, ClinGen allele CA344077999.

ClinVar aggregate classification (germline): Uncertain significance (1 of 4 stars; one submission).

Conditions:
Parathyroid carcinoma (PRTC). Also called: CDC73-Related Parathyroid Carcinoma; Parathyroid gland carcinoma. Identifiers: Orphanet 143, MedGen C0687150, MONDO:0012004, OMIM 608266, HP:0006780.

Allele frequency attached by ClinVar (database versions not stated): gnomAD exomes below 0.00001.

Submission:

Labcorp Genetics (formerly Invitae), Labcorp
Classification: Uncertain significance for Parathyroid carcinoma. Last evaluated: 2024-08-06. Review status: criteria provided, single submitter. Criteria: Invitae Variant Classification Sherloc (09022015). Collection method: clinical testing. Allele origin: germline.
Comment: This sequence change replaces valine, which is neutral and non-polar, with alanine, which is neutral and non-polar, at codon 428 of the CDC73 protein (p.Val428Ala). This variant is not present in population databases (gnomAD no frequency). This variant has not been reported in the literature in individuals affected with CDC73-related conditions. ClinVar contains an entry for this variant (Variation ID: 1919189). Advanced modeling of protein sequence and biophysical properties (such as structural, functional, and spatial information, amino acid conservation, physicochemical variation, residue mobility, and thermodynamic stability) performed at Invitae indicates that this missense variant is not expected to disrupt CDC73 protein function with a negative predictive value of 80%. In summary, the available evidence is currently insufficient to determine the role of this variant in disease. Therefore, it has been classified as a Variant of Uncertain Significance.